The following is an entry in ClinVar:

NM_003742.4(ABCB11):c.2005A>G (p.Ile669Val)

Gene: ABCB11 (ATP binding cassette subfamily B member 11; minus strand). Cytogenetic location: 2q31.1.
Variant type: single nucleotide variant.
Coding change: c.2005A>G on transcript NM_003742.4 (MANE Select); coding-DNA position 2005, A replaced by G.
Protein change: p.Ile669Val; replaces isoleucine 669 with valine.
Molecular consequence: missense variant.
Genome position (GRCh38, 1-based): chr2:168,969,356, T>C on the plus strand (A>G on the coding strand, the complement: ABCB11 is on the minus strand). VCF-style: chr2-168969356-T-C. GRCh37 (hg19) VCF-style: chr2-169825866-T-C.
Other names: NM_003742.4:c.2005A>G; short protein forms I669V.
Identifiers: ClinVar variation 3776857 (VCV003776857.2).
Genomic context (GRCh38, chr2:168,969,356, plus strand): 5'-CTATAGACATTAACTATTTAATATAACATACAAGTATAGGGAAAAAGCACTTGCCCTTTA[T>C]GTCCTCTTCATTAAGAGCTTGATTTCCCTGGCTTTGCAAAGTCACTAGAGTGAAGTAAAC-3'
Protein context (NP_003733.2, residues 659-679): QGNQALNEED[Ile669Val]KDATEDDMLA

ClinVar aggregate classification (germline): Uncertain significance. Review status: criteria provided, multiple submitters, no conflicts (2 of 4 stars). 2 submissions from 2 submitters: Uncertain significance (2). Last evaluated 2026-04-14.

Conditions:
Familial intrahepatic cholestasis. Identifiers: Orphanet 284385, MedGen CN296401, MONDO:0017290.
Progressive familial intrahepatic cholestasis type 2. Identifiers: Orphanet 79304, MedGen C3489789, MONDO:0011156, OMIM 601847.

gnomAD v4.1: 1 of 1,611,582 alleles (0.000062%); highest among the groups gnomAD compares: Non-Finnish European, 0.000085%; no homozygotes.

Submissions (2):

Genomenon, Inc
Classification: Uncertain significance for Familial intrahepatic cholestasis. Last evaluated: 2026-04-14. Review status: criteria provided, single submitter. Criteria: Genomenon Sequence Variant Interpretation Standards - Updated. Collection method: curation. Allele origin: germline. Affected: yes.
Comment: ABCB11 p.Ile669Val (c.2005A>G) is a missense variant that changes the amino acid at residue 669 from Isoleucine to Valine. This variant has been observed in at least one proband with an ABCB11-related disorder (PMID:26678486;28733223). It has been observed in trans with a pathogenic or likely pathogenic variant (PMID:26678486). It is absent or not present at a significant frequency in gnomAD. In silico models predict that this variant is not damaging. In conclusion, we classify ABCB11 p.Ile669Val (c.2005A>G) as a variant of uncertain significance.

Broad Center for Mendelian Genomics, Broad Institute of MIT and Harvard
Classification: Uncertain significance for Progressive familial intrahepatic cholestasis type 2. Last evaluated: 2025-01-24. Review status: criteria provided, single submitter. Criteria: ACMG Guidelines, 2015. Collection method: curation. Allele origin: germline. Inheritance: Autosomal recessive inheritance.
Comment: The p.Ile669Val variant in ABCB11 has been reported in 2 individuals with BSEP deficiency (PMID: 26678486, 28733223), and has been identified in 0.00008% (1/1178682) of European (non-Finnish) chromosomes by the Genome Aggregation Database (gnomAD). Although this variant has been seen in the general population in a heterozygous state, its frequency is low enough to be consistent with a recessive carrier frequency. Of the 2 affected individuals, 1 was a compound heterozygote that carried a reported pathogenic/likely pathogenic variant in trans, which increases the likelihood that the p.Ile669Val variant is pathogenic (PMID: 26678486; Variation ID: 288100). Computational prediction tools, including splice predictors, and conservation analyses suggest that this variant may not impact the protein, though this information is not predictive enough to rule out pathogenicity. In summary, the clinical significance of the p.Ile669Val variant is uncertain. ACMG/AMP Criteria applied: PM3, BP4, PM2_supporting (Richards 2015).

Literature cited by the submitters: PubMed 26678486 (cited by Genomenon, Inc); PubMed 28733223 (cited by Genomenon, Inc).